The following is an entry in ClinVar:

ClinVar aggregate classification (germline): Likely benign. Review status: criteria provided, multiple submitters, no conflicts (2 of 4 stars). 2 submissions from 2 submitters: Likely benign (2). Last evaluated 2024-08-28.

Conditions:
Charcot-Marie-Tooth disease type 2. Also called: Charcot-Marie-Tooth type 2. Identifiers: Orphanet 64746, MedGen C0270914, MONDO:0018993.

Allele frequency attached by ClinVar (database versions not stated): TOPMed below 0.00001; gnomAD 0.00001; gnomAD exomes 0.00004; ExAC 0.00015.
gnomAD v4.1: 32 of 1,588,116 alleles (0.002%); highest among the groups gnomAD compares: South Asian, 0.025%; no homozygotes.

Submissions (2):

Labcorp Genetics (formerly Invitae), Labcorp
Classification: Likely benign for Charcot-Marie-Tooth disease type 2. Last evaluated: 2024-08-28. Review status: criteria provided, single submitter. Criteria: Invitae Variant Classification Sherloc (09022015). Collection method: clinical testing. Allele origin: germline.

CeGaT Center for Human Genetics Tuebingen
Classification: Likely benign. Last evaluated: 2022-11-01. Review status: criteria provided, single submitter. Criteria: CeGaT Center For Human Genetics Tuebingen Variant Classification Criteria Version 2. Collection method: clinical testing. Allele origin: germline. Affected: yes. Observed: 1 variant allele.
Comment: AARS1: BP4, BP7

NM_001605.3(AARS1):c.1995C>T (p.Ala665=)

Gene: AARS1 (alanyl-tRNA synthetase 1; minus strand). Cytogenetic location: 16q22.1.
Variant type: single nucleotide variant.
Coding change: c.1995C>T on transcript NM_001605.3 (MANE Select); coding-DNA position 1995, C replaced by T.
Protein change: p.Ala665=; no amino-acid change (alanine 665 retained).
Molecular consequence: synonymous variant.
Genome position (GRCh38, 1-based): chr16:70,258,215, G>A on the plus strand (C>T on the coding strand, the complement: AARS1 is on the minus strand). VCF-style: chr16-70258215-G-A. GRCh37 (hg19) VCF-style: chr16-70292118-G-A.
Identifiers: ClinVar variation 699178 (VCV000699178.34), dbSNP rs754212203, ClinGen allele CA8140591.